The following is an entry in ClinVar:

NM_007294.4(BRCA1):c.3230G>A (p.Gly1077Glu)

Genes: BRCA1 (BRCA1 DNA repair associated; minus strand), LOC126862571 (BRD4-independent group 4 enhancer GRCh37_chr17:41243136-41244335; plus strand). Cytogenetic location: 17q21.31.
Variant type: single nucleotide variant.
Coding change: c.3230G>A on transcript NM_007294.4 (MANE Select); coding-DNA position 3230, G replaced by A.
Protein change: p.Gly1077Glu; replaces glycine 1077 with glutamic acid.
Molecular consequence: missense variant. On other transcripts: intron variant (137).
Genome position (GRCh38, 1-based): chr17:43,092,301, C>T on the plus strand (G>A on the coding strand, the complement: BRCA1 is on the minus strand). VCF-style: chr17-43092301-C-T. GRCh37 (hg19) VCF-style: chr17-41244318-C-T.
Other names: c.3020G>A, p.Gly1007Glu (NM_001407908.1, NM_001407909.1, NM_001407910.1 and 13 more transcripts); c.3017G>A, p.Gly1006Glu (NM_001407917.1, NM_001407918.1, NM_001407915.1 and 9 more transcripts); c.3107G>A, p.Gly1036Glu (NM_001407919.1, NM_001407648.1, NM_001407664.1 and 19 more transcripts); c.2966G>A, p.Gly989Glu (NM_001407921.1, NM_001407922.1, NM_001407920.1 and 9 more transcripts); c.3230G>A, p.Gly1077Glu (NM_001407620.1, NM_001407621.1, NM_001407622.1 and 30 more transcripts); c.3227G>A, p.Gly1076Glu (NM_001407627.1, NM_001407628.1, NM_001407629.1 and 22 more transcripts); c.3221G>A, p.Gly1074Glu (NM_001407646.1, NM_001407647.1); c.3104G>A, p.Gly1035Glu (NM_001407649.1, NM_001407670.1, NM_001407671.1 and 11 more transcripts); and 41 more; short protein forms G1077E, G1030E, G1007E, G1036E, G1076E, G909E, G966E, G1006E.
Identifiers: ClinVar variation 579547 (VCV000579547.21), dbSNP rs1567792424, ClinGen allele CA10595524.

ClinVar aggregate classification (germline): Conflicting classifications of pathogenicity. Review status: criteria provided, conflicting classifications (1 of 4 stars). 7 submissions from 7 submitters: Uncertain significance (5); Likely benign (2). Last evaluated 2025-10-05.

Conditions:
Hereditary breast ovarian cancer syndrome. Also called: Hereditary breast and ovarian cancer syndrome; Hereditary breast and ovarian cancer syndrome (HBOC); BRCA1- and BRCA2-Associated Hereditary Breast and Ovarian Cancer; Hereditary breast and/or ovarian cancer syndrome; Hereditary breast and ovarian cancer; Breast and ovarian cancer. Identifiers: Orphanet 145, MedGen C0677776, MeSH D061325, MONDO:0003582. Disease mechanism: loss of function.
Hereditary cancer-predisposing syndrome. Also called: Neoplastic Syndromes, Hereditary; Tumor predisposition; Hereditary neoplastic syndrome; Hereditary Cancer Syndrome. Identifiers: Orphanet 140162, MedGen C0027672, MeSH D009386, MONDO:0015356.

Allele frequency attached by ClinVar (database versions not stated): gnomAD exomes below 0.00001.
gnomAD v4.1: 1 of 1,613,730 alleles (0.000062%); highest among the groups gnomAD compares: Non-Finnish European, 0.000085%; no homozygotes.

Submissions (7):

Ambry Genetics
Classification: Uncertain significance for Hereditary cancer-predisposing syndrome. Last evaluated: 2025-10-05. Review status: criteria provided, single submitter. Criteria: Ambry Variant Classification Scheme 2023. Collection method: clinical testing. Allele origin: germline.
Comment: The p.G1077E variant (also known as c.3230G>A), located in coding exon 9 of the BRCA1 gene, results from a G to A substitution at nucleotide position 3230. The glycine at codon 1077 is replaced by glutamic acid, an amino acid with similar properties. This amino acid position is not well conserved in available vertebrate species. In addition, the in silico prediction for this alteration is inconclusive. Since supporting evidence is limited at this time, the clinical significance of this alteration remains unclear.

Labcorp Genetics (formerly Invitae), Labcorp
Classification: Uncertain significance for Hereditary breast ovarian cancer syndrome. Last evaluated: 2025-05-06. Review status: criteria provided, single submitter. Criteria: Invitae Variant Classification Sherloc (09022015). Collection method: clinical testing. Allele origin: germline.
Comment: This sequence change replaces glycine, which is neutral and non-polar, with glutamic acid, which is acidic and polar, at codon 1077 of the BRCA1 protein (p.Gly1077Glu). This variant is not present in population databases (gnomAD no frequency). This variant has not been reported in the literature in individuals affected with BRCA1-related conditions. ClinVar contains an entry for this variant (Variation ID: 579547). Invitae Evidence Modeling of protein sequence and biophysical properties (such as structural, functional, and spatial information, amino acid conservation, physicochemical variation, residue mobility, and thermodynamic stability) indicates that this missense variant is not expected to disrupt BRCA1 protein function with a negative predictive value of 80%. In summary, the available evidence is currently insufficient to determine the role of this variant in disease. Therefore, it has been classified as a Variant of Uncertain Significance.

Quest Diagnostics Nichols Institute San Juan Capistrano
Classification: Uncertain significance. Last evaluated: 2025-03-26. Review status: criteria provided, single submitter. Criteria: Quest Diagnostics criteria. Collection method: clinical testing. Allele origin: unknown.
Comment: The BRCA1 c.3230G>A (p.Gly1077Glu) variant has been reported in the published literature in an individual with breast cancer (PMID: 33471991 (2021), see also LOVD), and described to be located in a region of the BRCA1 gene that is tolerant to missense sequence changes (PMID: 31911673 (2020)). This variant has not been reported in large, multi-ethnic general populations (Genome Aggregation Database). Analysis of this variant using bioinformatics tools for the prediction of the effect of amino acid changes on protein structure and function yielded predictions that this variant is benign. Based on the available information, we are unable to determine the clinical significance of this variant.

Center for Genomic Medicine, Rigshospitalet, Copenhagen University Hospital
Classification: Likely benign. Last evaluated: 2025-03-04. Review status: criteria provided, single submitter. Criteria: ACMG Guidelines, 2015. Collection method: clinical testing. Allele origin: germline.

University of Washington Department of Laboratory Medicine, University of Washington
Classification: Likely benign for Hereditary cancer-predisposing syndrome. Last evaluated: 2023-03-23. Review status: criteria provided, single submitter. Criteria: Dines et al. (Genet Med. 2020). Collection method: curation. Allele origin: germline.
Comment: Missense variant in a coldspot region where missense variants are very unlikely to be pathogenic (PMID:31911673).

BRCA1 coldspot (exon 11 using historical exon numbering). Reclassification based on statistical prior probability

Sema4
Classification: Uncertain significance for Hereditary cancer-predisposing syndrome. Last evaluated: 2022-02-19. Review status: criteria provided, single submitter. Criteria: Sema4 Curation Guidelines. Collection method: curation. Allele origin: germline.
Comment: The BRCA1 c.3230G>A (p.G1077E) variant has been reported in a large case-control study in 1/60466 breast cancer cases and in 0/53461 controls (PMID 33471991). This variant is not reported in the population database Genome Aggregation Database (PMID: 32461654) but has been reported in ClinVar (Variation ID: 579547). Functional studies have not been performed, and in silico predictions of the variant's effect on protein function are inconclusive. The evidence is insufficient to meet ACMG/AMP criteria for classifying the variant as benign or pathogenic. Thus, the clinical significance of this variant is currently uncertain.

Color Diagnostics, LLC DBA Color Health
Classification: Uncertain significance for Hereditary cancer-predisposing syndrome. Last evaluated: 2019-04-09. Review status: criteria provided, single submitter. Criteria: ACMG Guidelines, 2015. Collection method: clinical testing. Allele origin: germline.

Literature cited by the submitters: PubMed 33471991 (cited by Quest Diagnostics Nichols Institute San Juan Capistrano and Sema4); PubMed 31911673 (cited by Quest Diagnostics Nichols Institute San Juan Capistrano).